The following is an entry in ClinVar:

NM_006206.6(PDGFRA):c.2439+1G>A

Gene: PDGFRA (platelet derived growth factor receptor alpha; plus strand). Cytogenetic location: 4q12.
Variant type: single nucleotide variant.
Coding change: c.2439+1G>A on transcript NM_006206.6 (MANE Select); the canonical splice donor site of the intron after coding-DNA position 2439, G replaced by A.
Molecular consequence: splice donor variant.
Genome position (GRCh38, 1-based): chr4:54,285,487, G>A. VCF-style: chr4-54285487-G-A. GRCh37 (hg19) VCF-style: chr4-55151654-G-A.
Other names: c.2514+1G>A (NM_001347828.2); c.2439+1G>A (NM_001347829.2); c.2478+1G>A (NM_001347830.2).
Identifiers: ClinVar variation 2838059 (VCV002838059.3), dbSNP rs2475546361, ClinGen allele CA356894838.

ClinVar aggregate classification (germline): Uncertain significance (1 of 4 stars; one submission).

Conditions:
Gastrointestinal stromal tumor. Also called: Gastrointestinal stromal tumor, somatic; Gastrointestinal stroma tumor. Identifiers: Orphanet 44890, MedGen C0238198, MeSH D046152, MONDO:0011719, OMIM 606764, HP:0100723.

Submission:

Labcorp Genetics (formerly Invitae), Labcorp
Classification: Uncertain significance for Gastrointestinal stromal tumor. Last evaluated: 2023-02-16. Review status: criteria provided, single submitter. Criteria: Invitae Variant Classification Sherloc (09022015). Collection method: clinical testing. Allele origin: germline.
Comment: In summary, the available evidence is currently insufficient to determine the role of this variant in disease. Therefore, it has been classified as a Variant of Uncertain Significance. Algorithms developed to predict the effect of sequence changes on RNA splicing suggest that this variant may disrupt the consensus splice site. This variant has not been reported in the literature in individuals affected with PDGFRA-related conditions. This variant is not present in population databases (gnomAD no frequency). This sequence change affects a donor splice site in intron 17 of the PDGFRA gene. It is expected to disrupt RNA splicing. Variants that disrupt the donor or acceptor splice site typically lead to a loss of protein function (PMID: 16199547), however the current clinical and genetic evidence is not sufficient to establish whether loss-of-function variants in PDGFRA cause disease.

Literature cited by the submitters: PubMed 16199547.